The following is an entry in ClinVar:

NM_000214.3(JAG1):c.860A>T (p.Asn287Ile)

Gene: JAG1 (jagged canonical Notch ligand 1; minus strand). Cytogenetic location: 20p12.2.
Variant type: single nucleotide variant.
Coding change: c.860A>T on transcript NM_000214.3 (MANE Select); coding-DNA position 860, A replaced by T.
Protein change: p.Asn287Ile; replaces asparagine 287 with isoleucine.
Molecular consequence: missense variant.
Genome position (GRCh38, 1-based): chr20:10,652,494, T>A on the plus strand (A>T on the coding strand, the complement: JAG1 is on the minus strand). VCF-style: chr20-10652494-T-A. GRCh37 (hg19) VCF-style: chr20-10633142-T-A.
Other names: short protein forms N287I.
Identifiers: ClinVar variation 3573151 (VCV003573151.2).

Conditions:
Arteriohepatic dysplasia. Also called: Alagille Syndrome. Identifiers: Orphanet 52, MedGen C0085280, MeSH D016738, MONDO:0007318.

Submission:

Gilbert/Spinner Lab, Children's Hospital of Philadelphia
No classification provided (evidence only). Condition: Alagille syndrome. Review status: no classification provided. Collection method: research. Allele origin: not applicable. Functional consequence: functionally_abnormal.
ClinVar note: "not provided" was previously submitted as the classification for the variant. However, the classification appeared to be based only on an observation of functional data so it was converted to no classification on 2025-07-30.